The following is an entry in ClinVar:

NM_000059.4(BRCA2):c.5887G>T (p.Gly1963Trp)

Gene: BRCA2 (BRCA2 DNA repair associated; plus strand). Cytogenetic location: 13q13.1.
Variant type: single nucleotide variant.
Coding change: c.5887G>T on transcript NM_000059.4 (MANE Select); coding-DNA position 5887, G replaced by T.
Protein change: p.Gly1963Trp; replaces glycine 1963 with tryptophan.
Molecular consequence: missense variant. On other transcripts: non-coding transcript variant (1), intron variant (2).
Genome position (GRCh38, 1-based): chr13:32,340,242, G>T. VCF-style: chr13-32340242-G-T. GRCh37 (hg19) VCF-style: chr13-32914379-G-T.
Other names: c.5887G>T, p.Gly1963Trp (NM_001406719.1, NM_001406720.1, NM_001432077.1); c.1910-4316G>T (NM_001406721.1); c.425-4316G>T (NM_001406722.1); short protein forms G1963W.
Identifiers: ClinVar variation 4856444 (VCV004856444.1).

ClinVar aggregate classification (germline): Likely benign (1 of 4 stars; one submission).

Conditions:
Breast-ovarian cancer, familial, susceptibility to, 2 (BROVCA2). Also called: BRCA2 Hereditary Breast and Ovarian Cancer. Identifiers: Orphanet 145, MedGen C2675520, MONDO:0012933, OMIM 612555. Disease mechanism: loss of function.

Submission:

Cancer Bioinformatics and Tumour Evolution Laboratory, Monash University
Classification: Likely benign for Breast-ovarian cancer, familial, susceptibility to, 2. Last evaluated: 2026-05-01. Review status: criteria provided, single submitter. Criteria: ClinGen BRCA1 and BRCA2 Guidelines, 2024. Collection method: curation. Allele origin: germline. Inheritance: Autosomal dominant inheritance.
Comment: Missense variant outside of a functional domain with no splice impact. BRCA1 and BRCA2 VCEP guidelines recommend application of BP1_Strong (PMID: 39142283)